The following is an entry in ClinVar:

NM_006922.4(SCN3A):c.3543A>G (p.Gln1181=)

Gene: SCN3A (sodium voltage-gated channel alpha subunit 3; minus strand). Cytogenetic location: 2q24.3.
Variant type: single nucleotide variant.
Coding change: c.3543A>G on transcript NM_006922.4 (MANE Select); coding-DNA position 3543, A replaced by G.
Protein change: p.Gln1181=; no amino-acid change (glutamine 1181 retained).
Molecular consequence: synonymous variant.
Genome position (GRCh38, 1-based): chr2:165,113,942, T>C on the plus strand (A>G on the coding strand, the complement: SCN3A is on the minus strand). VCF-style: chr2-165113942-T-C. GRCh37 (hg19) VCF-style: chr2-165970452-T-C.
Other names: c.3396A>G, p.Gln1132= (NM_001081676.2, NM_001081677.2).
Identifiers: ClinVar variation 2179032 (VCV002179032.4), dbSNP rs765345780, ClinGen allele CA1938756.

ClinVar aggregate classification (germline): Uncertain significance (1 of 4 stars; one submission).

Allele frequency attached by ClinVar (database versions not stated): gnomAD 0.00001; gnomAD exomes 0.00001; ExAC 0.00002; TOPMed 0.00002.
gnomAD v4.1: 17 of 1,608,766 alleles (0.0011%); highest among the groups gnomAD compares: Non-Finnish European, 0.0014%; no homozygotes.

Submission:

Labcorp Genetics (formerly Invitae), Labcorp
Classification: Uncertain significance. Last evaluated: 2021-12-24. Review status: criteria provided, single submitter. Criteria: Invitae Variant Classification Sherloc (09022015). Collection method: clinical testing. Allele origin: germline.
Comment: This sequence change affects codon 1181 of the SCN3A mRNA. It is a 'silent' change, meaning that it does not change the encoded amino acid sequence of the SCN3A protein. This variant is present in population databases (rs765345780, gnomAD 0.003%). This variant has not been reported in the literature in individuals affected with SCN3A-related conditions. Algorithms developed to predict the effect of sequence changes on RNA splicing suggest that this variant may create or strengthen a splice site. In summary, the available evidence is currently insufficient to determine the role of this variant in disease. Therefore, it has been classified as a Variant of Uncertain Significance.